The following is an entry in ClinVar:

NM_000455.5(STK11):c.903G>A (p.Arg301=)

Gene: STK11 (serine/threonine kinase 11; plus strand). Cytogenetic location: 19p13.3.
Variant type: single nucleotide variant.
Coding change: c.903G>A on transcript NM_000455.5 (MANE Select); coding-DNA position 903, G replaced by A.
Protein change: p.Arg301=; no amino-acid change (arginine 301 retained).
Molecular consequence: synonymous variant. On other transcripts: non-coding transcript variant (1).
Genome position (GRCh38, 1-based): chr19:1,221,989, G>A. VCF-style: chr19-1221989-G-A. GRCh37 (hg19) VCF-style: chr19-1221988-G-A.
Other names: c.903G>A, p.Arg301= (NM_001407255.1).
Identifiers: ClinVar variation 1765567 (VCV001765567.3), dbSNP rs2145428816, ClinGen allele CA504707697.

ClinVar aggregate classification (germline): Benign/Likely benign. Review status: criteria provided, multiple submitters, no conflicts (2 of 4 stars). 2 submissions from 2 submitters: Benign (1); Likely benign (1). Last evaluated 2025-03-27.

Conditions:
Hereditary cancer-predisposing syndrome. Also called: Neoplastic Syndromes, Hereditary; Tumor predisposition; Hereditary neoplastic syndrome; Hereditary Cancer Syndrome. Identifiers: Orphanet 140162, MedGen C0027672, MeSH D009386, MONDO:0015356.
Peutz-Jeghers syndrome (PJS). Also called: POLYPOSIS, HAMARTOMATOUS INTESTINAL; POLYPS-AND-SPOTS SYNDROME; Peutz-Jeghers polyposis; Periorificial lentiginosis syndrome. Identifiers: Orphanet 2869, MedGen C0031269, MeSH D010580, MONDO:0008280, OMIM 175200.

Submissions (2):

Myriad Genetics, Inc.
Classification: Benign for Peutz-Jeghers syndrome. Last evaluated: 2025-03-27. Review status: criteria provided, single submitter. Criteria: Myriad Autosomal Dominant, Autosomal Recessive and X-Linked Classification Criteria (2023). Collection method: clinical testing. Allele origin: unknown.
Comment: This variant is considered benign. This variant is a silent/synonymous amino acid change and it is not expected to impact splicing.

Ambry Genetics
Classification: Likely benign for Hereditary cancer-predisposing syndrome. Last evaluated: 2022-03-04. Review status: criteria provided, single submitter. Criteria: Ambry Variant Classification Scheme 2023. Collection method: clinical testing. Allele origin: germline.